The following is an entry in ClinVar:

NM_001830.4(CLCN4):c.935G>T (p.Gly312Val)

Gene: CLCN4 (chloride voltage-gated channel 4; plus strand). Cytogenetic location: Xp22.2.
Variant type: single nucleotide variant.
Coding change: c.935G>T on transcript NM_001830.4 (MANE Select); coding-DNA position 935, G replaced by T.
Protein change: p.Gly312Val; replaces glycine 312 with valine.
Molecular consequence: missense variant.
Genome position (GRCh38, 1-based): chrX:10,208,136, G>T. VCF-style: chrX-10208136-G-T. GRCh37 (hg19) VCF-style: chrX-10176176-G-T.
Other names: c.653G>T, p.Gly218Val (NM_001256944.2); short protein forms G218V, G312V.
Identifiers: ClinVar variation 2629663 (VCV002629663.1), dbSNP rs2518885335, ClinGen allele CA412037484.

ClinVar aggregate classification (germline): Uncertain significance (1 of 4 stars; one submission).

Conditions:
CLCN4-related disorder. Identifiers: MedGen CN232948.

Submission:

PreventionGenetics, part of Exact Sciences
Classification: Uncertain significance for CLCN4-related condition. Last evaluated: 2023-01-11. Review status: criteria provided, single submitter. Criteria: ACMG Guidelines, 2015. Collection method: clinical testing. Allele origin: germline.
Comment: The CLCN4 c.935G>T variant is predicted to result in the amino acid substitution p.Gly312Val. To our knowledge, this variant has not been reported in the literature or in a large population database, indicating this variant is rare. At this time, the clinical significance of this variant is uncertain due to the absence of conclusive functional and genetic evidence.